The following is an entry in ClinVar:

NM_004656.4(BAP1):c.1643G>T (p.Arg548Leu)

Gene: BAP1 (BRCA1 associated deubiquitinase 1; minus strand). Cytogenetic location: 3p21.1.
Variant type: single nucleotide variant.
Coding change: c.1643G>T on transcript NM_004656.4 (MANE Select); coding-DNA position 1643, G replaced by T.
Protein change: p.Arg548Leu; replaces arginine 548 with leucine.
Molecular consequence: missense variant.
Genome position (GRCh38, 1-based): chr3:52,403,502, C>A on the plus strand (G>T on the coding strand, the complement: BAP1 is on the minus strand). VCF-style: chr3-52403502-C-A. GRCh37 (hg19) VCF-style: chr3-52437518-C-A.
Other names: c.1589G>T, p.Arg530Leu (NM_001410772.1); short protein forms R530L, R548L.
Identifiers: ClinVar variation 2774745 (VCV002774745.2), dbSNP rs779877855, ClinGen allele CA353100106.
Genomic context (GRCh38, chr3:52,403,502, plus strand): 5'-CCATCCTCAGCCAGGTGCAGCAGGCCTGTGCTGATGACAGGACCCAGATCACGGACAGCA[C>A]GGTTGTAGCGTATGCAGTCAACACGCAGCAGGCTGTCATCCTCTCCAAAAAGCACCTTGG-3'
Protein context (NP_004647.1, residues 538-558): LLRVDCIRYN[Arg548Leu]AVRDLGPVIS

ClinVar aggregate classification (germline): Uncertain significance (1 of 4 stars; one submission).

Conditions:
Hereditary cancer-predisposing syndrome. Also called: Neoplastic Syndromes, Hereditary; Tumor predisposition; Hereditary Cancer Syndrome; Hereditary neoplastic syndrome. Identifiers: Orphanet 140162, MedGen C0027672, MeSH D009386, MONDO:0015356.

Submission:

Color Diagnostics, LLC DBA Color Health
Classification: Uncertain significance for Hereditary cancer-predisposing syndrome. Last evaluated: 2023-07-17. Review status: criteria provided, single submitter. Criteria: ACMG Guidelines, 2015. Collection method: clinical testing. Allele origin: germline.
Comment: This missense variant replaces arginine with leucine at codon 548 of the BAP1 protein. Computational prediction suggests that this variant may not impact protein structure and function (internally defined REVEL score threshold <= 0.5, PMID: 27666373). To our knowledge, functional studies have not been reported for this variant. This variant has not been reported in individuals affected with BAP1-related disorders in the literature. This variant has not been identified in the general population by the Genome Aggregation Database (gnomAD). The available evidence is insufficient to determine the role of this variant in disease conclusively. Therefore, this variant is classified as a Variant of Uncertain Significance.